The following is an entry in ClinVar:

NM_004817.4(TJP2):c.1093G>A (p.Asp365Asn)

Gene: TJP2 (tight junction protein 2; plus strand). Cytogenetic location: 9q21.11.
Variant type: single nucleotide variant.
Coding change: c.1093G>A on transcript NM_004817.4 (MANE Select); coding-DNA position 1093, G replaced by A.
Protein change: p.Asp365Asn; replaces aspartic acid 365 with asparagine.
Molecular consequence: missense variant.
Genome position (GRCh38, 1-based): chr9:69,226,058, G>A. VCF-style: chr9-69226058-G-A. GRCh37 (hg19) VCF-style: chr9-71840974-G-A.
Other names: c.1093G>A, p.Asp365Asn (LRG_1201t1, NM_001369872.1, NM_001369873.1 and 1 more transcripts); c.1024G>A, p.Asp342Asn (NM_001170414.2, NM_001369870.1, NM_001369871.1); c.1105G>A, p.Asp369Asn (NM_001170415.1, NM_001369874.1, NM_001369875.1); c.1186G>A, p.Asp396Asn (NM_001170416.2); short protein forms D365N, D342N, D369N, D396N.
Identifiers: ClinVar variation 1899165 (VCV001899165.5), dbSNP rs772718854, ClinGen allele CA5073207.

ClinVar aggregate classification (germline): Uncertain significance (1 of 4 stars; one submission).

Allele frequency attached by ClinVar (database versions not stated): ExAC 0.00001; gnomAD exomes 0.00001; TOPMed 0.00001 and 0.00002; gnomAD 0.00002.
gnomAD v4.1: 16 of 1,614,024 alleles (0.00099%); highest among the groups gnomAD compares: Non-Finnish European, 0.0013%; no homozygotes.

Submission:

Labcorp Genetics (formerly Invitae), Labcorp
Classification: Uncertain significance. Last evaluated: 2025-02-13. Review status: criteria provided, single submitter. Criteria: Invitae Variant Classification Sherloc (09022015). Collection method: clinical testing. Allele origin: germline.
Comment: This sequence change replaces aspartic acid, which is acidic and polar, with asparagine, which is neutral and polar, at codon 365 of the TJP2 protein (p.Asp365Asn). This variant is present in population databases (rs772718854, gnomAD 0.002%). This variant has not been reported in the literature in individuals affected with TJP2-related conditions. ClinVar contains an entry for this variant (Variation ID: 1899165). Invitae Evidence Modeling of protein sequence and biophysical properties (such as structural, functional, and spatial information, amino acid conservation, physicochemical variation, residue mobility, and thermodynamic stability) has been performed for this missense variant. However, the output from this modeling did not meet the statistical confidence thresholds required to predict the impact of this variant on TJP2 protein function. In summary, the available evidence is currently insufficient to determine the role of this variant in disease. Therefore, it has been classified as a Variant of Uncertain Significance.